The following is an entry in ClinVar:

NM_014244.5(ADAMTS2):c.1428G>A (p.Pro476=)

Gene: ADAMTS2 (ADAM metallopeptidase with thrombospondin type 1 motif 2; minus strand). Cytogenetic location: 5q35.3.
Variant type: single nucleotide variant.
Coding change: c.1428G>A on transcript NM_014244.5 (MANE Select); coding-DNA position 1428, G replaced by A.
Protein change: p.Pro476=; no amino-acid change (proline 476 retained).
Molecular consequence: synonymous variant.
Genome position (GRCh38, 1-based): chr5:179,153,578, C>T on the plus strand (G>A on the coding strand, the complement: ADAMTS2 is on the minus strand). VCF-style: chr5-179153578-C-T. GRCh37 (hg19) VCF-style: chr5-178580579-C-T.
Other names: c.1428G>A, p.Pro476= (NM_021599.4).
Identifiers: ClinVar variation 907196 (VCV000907196.40), dbSNP rs374288519, ClinGen allele CA3595916.
Genomic context (GRCh38, chr5:179,153,578, plus strand): 5'-GAAGTCAAAGCGGCATTGCTCGTTCATGGAGTAGTGCAGTCCCGGGAGCTGGGGCAGCGC[C>T]GGCCAGTCGTGGGCGAAGGGGTCATCCAGCAGGCAGTCATAGGAGCTGTGGGGGACACAC-3'
Protein context (NP_055059.2, residues 466-486): LLDDPFAHDW[Pro476=]ALPQLPGLHY

ClinVar aggregate classification (germline): Conflicting classifications of pathogenicity. Review status: criteria provided, conflicting classifications (1 of 4 stars). 3 submissions from 3 submitters: Uncertain significance (1); Likely benign (2). Last evaluated 2025-10-13.

Conditions:
Ehlers-Danlos syndrome, dermatosparaxis type. Also called: Dermatosparaxis; Ehlers-Danlos syndrome, type VII, autosomal recessive; EDS VIIC. Identifiers: Orphanet 1901, MedGen C2700425, MONDO:0009161, OMIM 225410.

Allele frequency attached by ClinVar (database versions not stated): gnomAD 0.00001; gnomAD exomes 0.00001; TOPMed 0.00002; ExAC 0.00004; ESP Exome Variant Server 0.00008.
gnomAD v4.1: 21 of 1,608,672 alleles (0.0013%); highest among the groups gnomAD compares: African/African-American, 0.0027%; no homozygotes.

Submissions (3):

Labcorp Genetics (formerly Invitae), Labcorp
Classification: Likely benign for Ehlers-Danlos syndrome, dermatosparaxis type. Last evaluated: 2025-10-13. Review status: criteria provided, single submitter. Criteria: Invitae Variant Classification Sherloc (09022015). Collection method: clinical testing. Allele origin: germline.

CeGaT Center for Human Genetics Tuebingen
Classification: Likely benign. Last evaluated: 2022-05-01. Review status: criteria provided, single submitter. Criteria: CeGaT Center For Human Genetics Tuebingen Variant Classification Criteria Version 2. Collection method: clinical testing. Allele origin: germline. Affected: yes. Observed: 1 variant allele.
Comment: ADAMTS2: BP4, BP7

Illumina Laboratory Services, Illumina
Classification: Uncertain significance for Ehlers-Danlos syndrome, dermatosparaxis type. Last evaluated: 2018-01-13. Review status: criteria provided, single submitter. Criteria: ICSL Variant Classification Criteria 13 December 2019. Collection method: clinical testing. Allele origin: germline.